The following is an entry in ClinVar:

ClinVar aggregate classification (germline): Benign/Likely benign. Review status: criteria provided, multiple submitters, no conflicts (2 of 4 stars). 5 submissions from 5 submitters: Benign (1); Likely benign (3). 1 of the submissions does not count toward it. Last evaluated 2026-01-20.

Conditions:
Leukoencephalopathy with brain stem and spinal cord involvement-high lactate syndrome (LBSL). Also called: Leukoencephalopathy with Brainstem and Spinal Cord Involvement and Lactate Elevation; LEUKOENCEPHALOPATHY WITH BRAINSTEM AND SPINAL CORD INVOLVEMENT AND LACTATE ELEVATION, MILD; MITOCHONDRIAL ASPARTYL-tRNA SYNTHETASE DEFICIENCY. Identifiers: Orphanet 137898, MedGen C1970180, MONDO:0012622, OMIM 611105.

Submissions (5):

Labcorp Genetics (formerly Invitae), Labcorp
Classification: Benign. Last evaluated: 2026-01-20. Review status: criteria provided, single submitter. Criteria: Invitae Variant Classification Sherloc (09022015). Collection method: clinical testing. Allele origin: germline.

GeneDx
Classification: Likely benign. Last evaluated: 2024-07-23. Review status: criteria provided, single submitter. Criteria: GeneDx Variant Classification Process June 2021. Collection method: clinical testing. Allele origin: germline. Affected: yes.
Comment: See Variant Classification Assertion Criteria.

Genome-Nilou Lab
Classification: Likely benign for Leukoencephalopathy with brain stem and spinal cord involvement-high lactate syndrome. Last evaluated: 2023-04-11. Review status: criteria provided, single submitter. Criteria: ACMG Guidelines, 2015. Collection method: clinical testing. Allele origin: germline. Affected: no.

Fulgent Genetics
Classification: Likely benign for Leukoencephalopathy with brain stem and spinal cord involvement-high lactate syndrome. Last evaluated: 2021-11-23. Review status: criteria provided, single submitter. Criteria: ACMG Guidelines, 2015. Collection method: clinical testing. Allele origin: unknown.

Mayo Clinic Laboratories, Mayo Clinic
Classification: Benign. Last evaluated: 2016-03-16. Review status: no assertion criteria provided. Collection method: clinical testing. Allele origin: unknown. Not counted in ClinVar's aggregate classification.

NM_018122.5(DARS2):c.228-10dup

Gene: DARS2 (aspartyl-tRNA synthetase 2, mitochondrial; plus strand). Cytogenetic location: 1q25.1.
Variant type: Duplication.
Coding change: c.228-10dup on transcript NM_018122.5 (MANE Select); 10 bases into the intron before coding-DNA position 228, one base duplicated (C; older notation c.228-10dupC).
Molecular consequence: intron variant.
Genome position (GRCh38, 1-based): chr1:173,828,323, C duplicated; the last of 10 consecutive C bases (chr1:173,828,314-173,828,323); duplicating any one gives the same sequence. VCF-style (leftmost placement, unchanged base first): chr1-173828313-T-TC. GRCh37 (hg19) VCF-style: chr1-173797451-T-TC.
Other names: c.228-10dup (NM_001365212.1, NM_001365213.2).
Identifiers: ClinVar variation 418156 (VCV000418156.17), dbSNP rs374122386, ClinGen allele CA1250054.
Genomic context (GRCh38, chr1:173,828,313, plus strand): 5'-GCTTTTTATTTTGTATGCTTCAACTTTGGACTTAGAGATTTTATCTTAAAATGTTTCTTT[T>TC]CCCCCCCCCCATTAATCAGGCAAAACACATTCTTGGTCCTAAGAGATTTCGATGGGCTTG-3'